The following is an entry in ClinVar:

NM_000395.3(CSF2RB):c.323T>C (p.Val108Ala)

Genes: CSF2RB (colony stimulating factor 2 receptor subunit beta; plus strand), LOC126863140 (BRD4-independent group 4 enhancer GRCh37_chr22:37321546-37322745; plus strand). Cytogenetic location: 22q12.3.
Variant type: single nucleotide variant.
Coding change: c.323T>C on transcript NM_000395.3 (MANE Select); coding-DNA position 323, T replaced by C.
Protein change: p.Val108Ala; replaces valine 108 with alanine.
Molecular consequence: missense variant.
Genome position (GRCh38, 1-based): chr22:36,926,109, T>C. VCF-style: chr22-36926109-T-C. GRCh37 (hg19) VCF-style: chr22-37322151-T-C.
Other names: c.323T>C, p.Val108Ala (NM_001410827.1); short protein forms V108A.
Identifiers: ClinVar variation 2968569 (VCV002968569.3), dbSNP rs771388767, ClinGen allele CA10213435.

ClinVar aggregate classification (germline): Uncertain significance (1 of 4 stars; one submission).

Allele frequency attached by ClinVar (database versions not stated): ExAC 0.00001; gnomAD 0.00001; TOPMed 0.00001.
gnomAD v4.1: 2 of 1,614,084 alleles (0.00012%); highest among the groups gnomAD compares: Non-Finnish European, 0.00017%; no homozygotes.

Submission:

Labcorp Genetics (formerly Invitae), Labcorp
Classification: Uncertain significance. Last evaluated: 2024-01-04. Review status: criteria provided, single submitter. Criteria: Invitae Variant Classification Sherloc (09022015). Collection method: clinical testing. Allele origin: germline.
Comment: This sequence change replaces valine, which is neutral and non-polar, with alanine, which is neutral and non-polar, at codon 108 of the CSF2RB protein (p.Val108Ala). This variant is present in population databases (rs771388767, gnomAD 0.002%). This variant has not been reported in the literature in individuals affected with CSF2RB-related conditions. Advanced modeling of protein sequence and biophysical properties (such as structural, functional, and spatial information, amino acid conservation, physicochemical variation, residue mobility, and thermodynamic stability) performed at Invitae indicates that this missense variant is not expected to disrupt CSF2RB protein function with a negative predictive value of 80%. In summary, the available evidence is currently insufficient to determine the role of this variant in disease. Therefore, it has been classified as a Variant of Uncertain Significance.